The following is an entry in ClinVar:

NM_014324.6(AMACR):c.553-4A>G

Genes: AMACR (alpha-methylacyl-CoA racemase; minus strand), C1QTNF3-AMACR (C1QTNF3-AMACR readthrough (NMD candidate); minus strand). Cytogenetic location: 5p13.2.
Variant type: single nucleotide variant.
Coding change: c.553-4A>G on transcript NM_014324.6 (MANE Select); 4 bases into the intron before coding-DNA position 553, A replaced by G.
Molecular consequence: intron variant.
Genome position (GRCh38, 1-based): chr5:33,998,831, T>C on the plus strand (A>G on the coding strand, the complement: AMACR is on the minus strand). VCF-style: chr5-33998831-T-C. GRCh37 (hg19) VCF-style: chr5-33998936-T-C.
Other names: c.392-4A>G (NM_203382.3); c.553-4A>G (NM_001167595.2).
Identifiers: ClinVar variation 384891 (VCV000384891.1), dbSNP rs746928466, ClinGen allele CA3226168.

ClinVar aggregate classification (germline): Likely benign (1 of 4 stars; one submission).

Allele frequency attached by ClinVar (database versions not stated): gnomAD exomes below 0.00001; ExAC 0.00001.
gnomAD v4.1: 1 of 1,613,790 alleles (0.000062%); highest among the groups gnomAD compares: Non-Finnish European, 0.000085%; no homozygotes.

Submission:

GeneDx
Classification: Likely benign. Last evaluated: 2016-04-05. Review status: criteria provided, single submitter. Criteria: GeneDx Variant Classification (06012015). Collection method: clinical testing. Allele origin: germline. Affected: yes.
Comment: This variant is considered likely benign or benign based on one or more of the following criteria: it is a conservative change, it occurs at a poorly conserved position in the protein, it is predicted to be benign by multiple in silico algorithms, and/or has population frequency not consistent with disease.